The following is an entry in ClinVar:

ClinVar aggregate classification (germline): Uncertain significance. Review status: criteria provided, single submitter (1 of 4 stars). 2 submissions from 2 submitters: Uncertain significance (1). 1 of the submissions does not count toward it. Last evaluated 2023-02-23.

Conditions:
Cardiovascular phenotype. Identifiers: MedGen CN230736.
LAMA4-related disorder. Also called: LAMA4-related condition.

Submissions (2):

Ambry Genetics
Classification: Uncertain significance for Cardiovascular phenotype. Last evaluated: 2023-02-23. Review status: criteria provided, single submitter. Criteria: Ambry Variant Classification Scheme 2023. Collection method: clinical testing. Allele origin: germline.
Comment: The p.L1661F variant (also known as c.4983G>C), located in coding exon 35 of the LAMA4 gene, results from a G to C substitution at nucleotide position 4983. The leucine at codon 1661 is replaced by phenylalanine, an amino acid with highly similar properties. This amino acid position is conserved. In addition, the in silico prediction for this alteration is inconclusive. Since supporting evidence is limited at this time, the clinical significance of this alteration remains unclear.

PreventionGenetics, part of Exact Sciences
Classification: Uncertain significance for LAMA4-related condition. Last evaluated: 2024-08-05. Review status: no assertion criteria provided. Collection method: clinical testing. Allele origin: germline. Not counted in ClinVar's aggregate classification.
Comment: The LAMA4 c.4983G>C variant is predicted to result in the amino acid substitution p.Leu1661Phe. To our knowledge, this variant has not been reported in the literature or in a large population database, indicating this variant is rare. At this time, the clinical significance of this variant is uncertain due to the absence of conclusive functional and genetic evidence.

NM_001105206.3(LAMA4):c.5004G>C (p.Leu1668Phe)

Gene: LAMA4 (laminin subunit alpha 4; minus strand). Cytogenetic location: 6q21.
Variant type: single nucleotide variant.
Coding change: c.5004G>C on transcript NM_001105206.3 (MANE Select); coding-DNA position 5004, G replaced by C.
Protein change: p.Leu1668Phe; replaces leucine 1668 with phenylalanine.
Molecular consequence: missense variant.
Genome position (GRCh38, 1-based): chr6:112,115,971, C>G on the plus strand (G>C on the coding strand, the complement: LAMA4 is on the minus strand). VCF-style: chr6-112115971-C-G. GRCh37 (hg19) VCF-style: chr6-112437174-C-G.
Other names: c.4983G>C, p.Leu1661Phe (NM_001105207.3, NM_002290.5); c.4983G>C (NM_002290.4); short protein forms L1661F, L1668F.
Identifiers: ClinVar variation 3222054 (VCV003222054.2), dbSNP rs781868926, ClinGen allele CA365365346.